The following is an entry in ClinVar:

NM_000489.6(ATRX):c.2292G>C (p.Leu764Phe)

Gene: ATRX (ATRX chromatin remodeler; minus strand). Cytogenetic location: Xq21.1.
Variant type: single nucleotide variant.
Coding change: c.2292G>C on transcript NM_000489.6 (MANE Select); coding-DNA position 2292, G replaced by C.
Protein change: p.Leu764Phe; replaces leucine 764 with phenylalanine.
Molecular consequence: missense variant.
Genome position (GRCh38, 1-based): chrX:77,682,964, C>G on the plus strand (G>C on the coding strand, the complement: ATRX is on the minus strand). VCF-style: chrX-77682964-C-G. GRCh37 (hg19) VCF-style: chrX-76938456-C-G.
Other names: c.2178G>C, p.Leu726Phe (NM_138270.5); short protein forms L764F, L726F.
Identifiers: ClinVar variation 533626 (VCV000533626.7), dbSNP rs1557139933, ClinGen allele CA413712747.
Genomic context (GRCh38, chrX:77,682,964, plus strand): 5'-AGAACTTTTTCGTTTCCTTTTTCCTTTATCATCTTTCCCCGCCTGAGTCTTTAAATCATA[C>G]AAAGTCTTATGGTTTGTATGAATTTCATTAATATCAGTATCTGAAGAAGAACTGTGACTC-3'
Protein context (NP_000480.3, residues 754-774): INEIHTNHKT[Leu764Phe]YDLKTQAGKD

ClinVar aggregate classification (germline): Uncertain significance (1 of 4 stars; one submission).

Conditions:
Alpha thalassemia-X-linked intellectual disability syndrome (ATRX). Also called: ALPHA-THALASSEMIA/MENTAL RETARDATION SYNDROME, X-LINKED; ATR, NONDELETION TYPE; ALPHA-THALASSEMIA/IMPAIRED INTELLECTUAL DEVELOPMENT SYNDROME, X-LINKED; X-linked alpha-thalassemia-mental retardation syndrome; ATR-X syndrome; Alpha thalassemia mental retardation syndrome, nondeletion type, X-linked. Identifiers: Orphanet 847, MedGen C1845055, MONDO:0010519, OMIM 301040.

Allele frequency attached by ClinVar (database versions not stated): gnomAD 0.00001; TOPMed 0.00001.
gnomAD v4.1: 5 of 1,208,342 alleles (0.00041%); highest among the groups gnomAD compares: South Asian, 0.0018%; 1 homozygote.

Submission:

Labcorp Genetics (formerly Invitae), Labcorp
Classification: Uncertain significance for Alpha thalassemia-X-linked intellectual disability syndrome. Last evaluated: 2021-08-24. Review status: criteria provided, single submitter. Criteria: Invitae Variant Classification Sherloc (09022015). Collection method: clinical testing. Allele origin: germline.
Comment: This sequence change replaces leucine with phenylalanine at codon 764 of the ATRX protein (p.Leu764Phe). The leucine residue is weakly conserved and there is a small physicochemical difference between leucine and phenylalanine. This variant is not present in population databases (ExAC no frequency). This variant has not been reported in the literature in individuals affected with ATRX-related conditions. Algorithms developed to predict the effect of missense changes on protein structure and function output the following: SIFT: "Tolerated"; PolyPhen-2: "Benign"; Align-GVGD: "Class C0". The phenylalanine amino acid residue is found in multiple mammalian species, which suggests that this missense change does not adversely affect protein function. In summary, the available evidence is currently insufficient to determine the role of this variant in disease. Therefore, it has been classified as a Variant of Uncertain Significance.